The following is an entry in ClinVar:

NM_000138.5(FBN1):c.4759del (p.Ile1587fs)

Gene: FBN1 (fibrillin 1; minus strand). Cytogenetic location: 15q21.1.
Variant type: Deletion.
Coding change: c.4759del on transcript NM_000138.5 (MANE Select); coding-DNA position 4759, one base deleted (A; older notation c.4759delA).
Protein change: p.Ile1587fs; shifts the reading frame from isoleucine 1587.
Molecular consequence: frameshift variant.
Genome position (GRCh38, 1-based): chr15:48,465,847, T deleted on the plus strand (A on the coding strand, the reverse complement: FBN1 is on the minus strand); the first of 4 consecutive T bases (chr15:48,465,847-48,465,850); deleting any one gives the same sequence. VCF-style (leftmost placement, unchanged base first): chr15-48465846-AT-A. GRCh37 (hg19) VCF-style: chr15-48758043-AT-A.
Other names: c.4759delA (NM_000138.4); short protein forms I1587fs.
Identifiers: ClinVar variation 373067 (VCV000373067.1), dbSNP rs1057518188, ClinGen allele CA16042871.

ClinVar aggregate classification (germline): Pathogenic (1 of 4 stars; one submission).

Submission:

GeneDx
Classification: Pathogenic. Last evaluated: 2016-11-02. Review status: criteria provided, single submitter. Criteria: GeneDx Variant Classification (06012015). Collection method: clinical testing. Allele origin: germline. Affected: yes.
Comment: Although the c.4759delA pathogenic variant in the FBN1 gene has not been reported to our knowledge, this variant causes a shift in reading frame starting at codon Isoleucine 1587, changing it to a Phenylalanine, and creating a premature stop codon at position 53 of the new reading frame, denoted p.Ile1587PhefsX53. This pathogenic variant is expected to result in either an abnormal, truncated protein product or loss of protein from this allele through nonsense-mediated mRNA decay. Other downstream frameshift variants in the FBN1 gene have been reported in HGMD in association with Marfan syndrome (Stenson et al., 2014). Furthermore, the c.4759delA variant was not observed in approximately 6,500 individuals of European and African American ancestry in the NHLBI Exome Sequencing Project, indicating it is not a common benign variant in these populations.In summary, c.4759delA in the FBN1 gene is interpreted as a pathogenic variant.